The following is an entry in ClinVar:

NM_001276345.2(TNNT2):c.844dup (p.Gln282fs)

Gene: TNNT2 (troponin T2, cardiac type; minus strand). Cytogenetic location: 1q32.1.
Variant type: Duplication.
Coding change: c.844dup on transcript NM_001276345.2 (MANE Select); coding-DNA position 844, one base duplicated (C; older notation c.844dupC).
Protein change: p.Gln282fs; shifts the reading frame from glutamine 282.
Molecular consequence: frameshift variant.
Genome position (GRCh38, 1-based): chr1:201,359,630, G duplicated on the plus strand (C on the coding strand, the reverse complement: TNNT2 is on the minus strand); the first of 2 consecutive G bases (chr1:201,359,630-201,359,631); duplicating either gives the same sequence. VCF-style (leftmost placement, unchanged base first): chr1-201359629-T-TG. GRCh37 (hg19) VCF-style: chr1-201328757-T-TG.
Other names: c.835dup, p.Gln279fs (NM_000364.4); c.814dup, p.Gln272fs (NM_001001430.3, NM_001276347.2); c.805dup, p.Gln269fs (NM_001001431.3); c.796dup, p.Gln266fs (NM_001001432.3); c.715dup, p.Gln239fs (NM_001276346.2); short protein forms Q282fs, Q266fs, Q269fs, Q272fs, Q279fs, Q239fs.
Identifiers: ClinVar variation 181639 (VCV000181639.1), dbSNP rs730881119, ClinGen allele CA297460.

ClinVar aggregate classification (germline): Pathogenic (1 of 4 stars; one submission).

Conditions:
Cardiomyopathy (CMYO). Also called: Cardiomyopathies. Identifiers: Orphanet 167848, MedGen C0878544, MONDO:0004994, HP:0001638. Inheritance: Various modes of inheritance.

Submission:

GeneDx
Classification: Pathogenic for Cardiomyopathy. Last evaluated: 2013-09-11. Review status: criteria provided, single submitter. Criteria: GeneDx Variant Classification (06012015). Collection method: clinical testing. Allele origin: germline. Affected: yes.
Comment: This variant is denoted c.814dupC p.Gln272ProfsX11 (Q272PfsX11) in exon 15 of the TNNT2 gene (NM_001001430.1). The normal sequence with the base that is duplicated in braces is: TAAC{C}AGAA. Although the c.814dupC mutation in the TNNT2 gene has not been reported to our knowledge, this mutation causes a shift in reading frame starting at codon Glutamine 272, changing it to a Proline, and creating a premature stop codon at position 11 of the new reading frame, denoted p.Gln272ProfsX11. This mutation is expected to result in an abnormal, truncated protein product. While most of the disease-causing mutations in the TNNT2 gene are missense changes, nonsense (Trp287Stop) and splice site (c.821+1G>A) mutations located at the last and penultimate exons have been reported in individuals with diagnosed with familial cardiomyopathy. The variant is found in TNNT2 panel(s).